The following is an entry in ClinVar:

NM_020533.3(MCOLN1):c.1414_1415delinsT (p.Asp472fs)

Gene: MCOLN1 (mucolipin TRP cation channel 1; plus strand). Cytogenetic location: 19p13.2.
Variant type: Indel.
Coding change: c.1414_1415delinsT on transcript NM_020533.3 (MANE Select); coding-DNA positions 1414 to 1415, GA replaced by T.
Protein change: p.Asp472fs; shifts the reading frame from aspartic acid 472.
Molecular consequence: frameshift variant.
Genome position (GRCh38, 1-based): chr19:7,530,340-7,530,341, GA replaced by T. VCF-style: chr19-7530340-GA-T. GRCh37 (hg19) VCF-style: chr19-7595226-GA-T.
Other names: short protein forms D472fs.
Identifiers: ClinVar variation 5012524 (VCV005012524.1).

ClinVar aggregate classification (germline): Pathogenic (1 of 4 stars; one submission).

Conditions:
Mucolipidosis type IV (ML4). Also called: ML IV. Identifiers: Orphanet 578, MedGen C0238286, MONDO:0009653, OMIM 252650.

Submission:

Myriad Genetics, Inc.
Classification: Pathogenic for Mucolipidosis type IV. Last evaluated: 2023-11-29. Review status: criteria provided, single submitter. Criteria: Myriad Autosomal Dominant, Autosomal Recessive and X-Linked Classification Criteria (2023). Collection method: clinical testing. Allele origin: unknown.
Comment: NM_020533.2(MCOLN1):c.1414_1415delGAinsT(D472Sfs*4) is expected to be pathogenic in the context of mucolipidosis IV. This variant is predicted to lead to an abnormal or absent protein product due to the creation of a premature termination codon in MCOLN1, a gene where loss-of-function variants are known to be pathogenic. Please note: this variant was assessed in the context of healthy population screening.